The following is an entry in ClinVar:

NM_005876.5(SPEG):c.3272C>T (p.Pro1091Leu)

Gene: SPEG (striated muscle enriched protein kinase; plus strand). Cytogenetic location: 2q35.
Variant type: single nucleotide variant.
Coding change: c.3272C>T on transcript NM_005876.5 (MANE Select); coding-DNA position 3272, C replaced by T.
Protein change: p.Pro1091Leu; replaces proline 1091 with leucine.
Molecular consequence: missense variant.
Genome position (GRCh38, 1-based): chr2:219,468,707, C>T. VCF-style: chr2-219468707-C-T. GRCh37 (hg19) VCF-style: chr2-220333429-C-T.
Other names: short protein forms P1091L.
Identifiers: ClinVar variation 1702787 (VCV001702787.2), dbSNP rs1383792209, ClinGen allele CA350745776.
Genomic context (GRCh38, chr2:219,468,707, plus strand): 5'-AAGATGTGGAGGTGTTGGAGGGCCGAGCTGCCCGTTTCGACTGCAAGATCAGTGGCACCC[C>T]GCCCCCTGTTGTTACCTGGACTCATTTTGGTACGGCCCCTGTGCTGCAGGTGTTGAGGGC-3'
Protein context (NP_005867.3, residues 1081-1101): ARFDCKISGT[Pro1091Leu]PPVVTWTHFG

ClinVar aggregate classification (germline): Uncertain significance (1 of 4 stars; one submission).

Allele frequency attached by ClinVar (database versions not stated): gnomAD exomes below 0.00001; TOPMed 0.00001.
gnomAD v4.1: 1 of 1,614,112 alleles (0.000062%); highest among the groups gnomAD compares: Non-Finnish European, 0.000085%; no homozygotes.

Submission:

GeneDx
Classification: Uncertain significance. Last evaluated: 2022-02-16. Review status: criteria provided, single submitter. Criteria: GeneDx Variant Classification Process June 2021. Collection method: clinical testing. Allele origin: germline. Affected: yes.
Comment: Not observed at significant frequency in large population cohorts (gnomAD); In silico analysis supports that this missense variant has a deleterious effect on protein structure/function; Has not been previously published as pathogenic or benign to our knowledge